The following is an entry in ClinVar:

ClinVar aggregate classification (germline): Pathogenic/Likely pathogenic. Review status: criteria provided, multiple submitters, no conflicts (2 of 4 stars). 3 submissions from 3 submitters: Pathogenic (2); Likely pathogenic (1). Last evaluated 2026-03-23.

Conditions:
Neurofibromatosis, type 1 (NF1). Also called: Neurofibromatosis, type I; VON RECKLINGHAUSEN DISEASE; NEUROFIBROMATOSIS, TYPE I, SOMATIC; Peripheral type neurofibromatosis. Identifiers: Orphanet 636, MedGen C0027831, MONDO:0018975, OMIM 162200. Disease mechanism: loss of function.
Cardiovascular phenotype. Identifiers: MedGen CN230736.
Hereditary cancer-predisposing syndrome. Also called: Tumor predisposition; Hereditary Cancer Syndrome; Hereditary neoplastic syndrome; Neoplastic Syndromes, Hereditary. Identifiers: Orphanet 140162, MedGen C0027672, MeSH D009386, MONDO:0015356.
Juvenile myelomonocytic leukemia (JMML). Also called: LEUKEMIA, JUVENILE MYELOMONOCYTIC, SOMATIC. Identifiers: Orphanet 86834, MedGen C0349639, MONDO:0011908, OMIM 607785, HP:0012209.

Submissions (3):

Ambry Genetics
Classification: Pathogenic for Cardiovascular phenotype; Hereditary cancer-predisposing syndrome. Last evaluated: 2026-03-23. Review status: criteria provided, single submitter. Criteria: Ambry Variant Classification Scheme 2023. Collection method: clinical testing. Allele origin: germline.
Comment: The c.2682delT pathogenic mutation, located in coding exon 21 of the NF1 gene, results from a deletion of one nucleotide at nucleotide position 2682, causing a translational frameshift with a predicted alternate stop codon (p.F894Lfs*8). This variant was reported in individual(s) with features consistent with neurofibromatosis type 1 (Ambry internal data). This variant is considered to be rare based on population cohorts in the Genome Aggregation Database (gnomAD). This alteration is expected to result in loss of function by premature protein truncation or nonsense-mediated mRNA decay. As such, this alteration is interpreted as a disease-causing mutation.

Labcorp Genetics (formerly Invitae), Labcorp
Classification: Pathogenic for Neurofibromatosis, type 1. Last evaluated: 2025-12-14. Review status: criteria provided, single submitter. Criteria: Invitae Variant Classification Sherloc (09022015). Collection method: clinical testing. Allele origin: germline.
Comment: This sequence change creates a premature translational stop signal (p.Phe894Leufs*8) in the NF1 gene. It is expected to result in an absent or disrupted protein product. Loss-of-function variants in NF1 are known to be pathogenic (PMID: 10712197, 23913538). This variant is not present in population databases (gnomAD no frequency). This variant has not been reported in the literature in individuals affected with NF1-related conditions. ClinVar contains an entry for this variant (Variation ID: 2137971). For these reasons, this variant has been classified as Pathogenic.

Baylor Genetics
Classification: Likely pathogenic for Juvenile myelomonocytic leukemia. Last evaluated: 2022-03-29. Review status: criteria provided, single submitter. Criteria: ACMG Guidelines, 2015. Collection method: clinical testing. Allele origin: unknown.

Literature cited by the submitters: PubMed 10712197 (cited by Labcorp Genetics (formerly Invitae), Labcorp); PubMed 23913538 (cited by Labcorp Genetics (formerly Invitae), Labcorp).

NM_001042492.3(NF1):c.2682del (p.Phe894fs)

Gene: NF1 (neurofibromin 1; plus strand). Cytogenetic location: 17q11.2.
Variant type: Deletion.
Coding change: c.2682del on transcript NM_001042492.3 (MANE Select); coding-DNA position 2682, one base deleted (T; older notation c.2682delT).
Protein change: p.Phe894fs; shifts the reading frame from phenylalanine 894.
Molecular consequence: frameshift variant.
Genome position (GRCh38, 1-based): chr17:31,229,297, T deleted; the last of 3 consecutive T bases (chr17:31,229,295-31,229,297); deleting any one gives the same sequence. VCF-style (leftmost placement, unchanged base first): chr17-31229294-AT-A. GRCh37 (hg19) VCF-style: chr17-29556312-AT-A.
Other names: c.2682delT (NM_000267.3); c.2682delT, p.Phe894Leufs (NM_000267.4); short protein forms F894fs.
Identifiers: ClinVar variation 2137971 (VCV002137971.6), dbSNP rs2151429427, ClinGen allele CA2580093343.